The following is an entry in ClinVar:

NM_018706.7(DHTKD1):c.1685A>G (p.Lys562Arg)

Gene: DHTKD1 (dehydrogenase E1 and transketolase domain containing 1; plus strand). Cytogenetic location: 10p14.
Variant type: single nucleotide variant.
Coding change: c.1685A>G on transcript NM_018706.7 (MANE Select); coding-DNA position 1685, A replaced by G.
Protein change: p.Lys562Arg; replaces lysine 562 with arginine.
Molecular consequence: missense variant.
Genome position (GRCh38, 1-based): chr10:12,100,191, A>G. VCF-style: chr10-12100191-A-G. GRCh37 (hg19) VCF-style: chr10-12142190-A-G.
Other names: short protein forms K562R.
Identifiers: ClinVar variation 1489723 (VCV001489723.8), dbSNP rs2131367049, ClinGen allele CA376021836.

ClinVar aggregate classification (germline): Uncertain significance (1 of 4 stars; one submission).

Conditions:
2-aminoadipic 2-oxoadipic aciduria (AAKAD). Also called: Aminoadipic aciduria; ALPHA-AMINOADIPIC AND ALPHA-KETOADIPIC ACIDURIA. Identifiers: Orphanet 79154, MedGen C1859817, MONDO:0008774, OMIM 204750.

Submission:

Labcorp Genetics (formerly Invitae), Labcorp
Classification: Uncertain significance for 2-aminoadipic 2-oxoadipic aciduria. Last evaluated: 2021-03-23. Review status: criteria provided, single submitter. Criteria: Invitae Variant Classification Sherloc (09022015). Collection method: clinical testing. Allele origin: germline.
Comment: In summary, the available evidence is currently insufficient to determine the role of this variant in disease. Therefore, it has been classified as a Variant of Uncertain Significance. Algorithms developed to predict the effect of missense changes on protein structure and function output the following: SIFT: "Tolerated"; PolyPhen-2: "Benign"; Align-GVGD: "Class C0". The arginine amino acid residue is found in multiple mammalian species, suggesting that this missense change does not adversely affect protein function. These predictions have not been confirmed by published functional studies and their clinical significance is uncertain. This variant has not been reported in the literature in individuals with DHTKD1-related conditions. This variant is not present in population databases (ExAC no frequency). This sequence change replaces lysine with arginine at codon 562 of the DHTKD1 protein (p.Lys562Arg). The lysine residue is highly conserved and there is a small physicochemical difference between lysine and arginine.